The following is an entry in ClinVar:

ClinVar aggregate classification (germline): Uncertain significance (1 of 4 stars; one submission).

Allele frequency attached by ClinVar (database versions not stated): gnomAD exomes below 0.00001; ExAC 0.00001; gnomAD 0.00002; TOPMed 0.00002.
gnomAD v4.1: 9 of 1,613,730 alleles (0.00056%); highest among the groups gnomAD compares: Admixed American, 0.0033%; no homozygotes.

Submission:

Labcorp Genetics (formerly Invitae), Labcorp
Classification: Uncertain significance. Last evaluated: 2022-08-07. Review status: criteria provided, single submitter. Criteria: Invitae Variant Classification Sherloc (09022015). Collection method: clinical testing. Allele origin: germline.
Comment: This sequence change replaces arginine, which is basic and polar, with glutamine, which is neutral and polar, at codon 806 of the DDR2 protein (p.Arg806Gln). This variant is present in population databases (rs201041695, gnomAD 0.004%). This variant has not been reported in the literature in individuals affected with DDR2-related conditions. Algorithms developed to predict the effect of missense changes on protein structure and function (SIFT, PolyPhen-2, Align-GVGD) all suggest that this variant is likely to be disruptive. In summary, the available evidence is currently insufficient to determine the role of this variant in disease. Therefore, it has been classified as a Variant of Uncertain Significance.

NM_006182.4(DDR2):c.2417G>A (p.Arg806Gln)

Gene: DDR2 (discoidin domain receptor tyrosine kinase 2; plus strand). Cytogenetic location: 1q23.3.
Variant type: single nucleotide variant.
Coding change: c.2417G>A on transcript NM_006182.4 (MANE Select); coding-DNA position 2417, G replaced by A.
Protein change: p.Arg806Gln; replaces arginine 806 with glutamine.
Molecular consequence: missense variant.
Genome position (GRCh38, 1-based): chr1:162,778,713, G>A. VCF-style: chr1-162778713-G-A. GRCh37 (hg19) VCF-style: chr1-162748503-G-A.
Other names: c.2417G>A, p.Arg806Gln (NM_001014796.3, NM_001354982.2, NM_001354983.2); short protein forms R806Q.
Identifiers: ClinVar variation 2068828 (VCV002068828.1), dbSNP rs201041695, ClinGen allele CA1217781.
Genomic context (GRCh38, chr1:162,778,713, plus strand): 5'-AACAGCCCTATTCCCAGCTGTCAGATGAACAGGTTATTGAGAATACTGGAGAGTTCTTCC[G>A]AGACCAAGGGAGGCAGGTAAGAACTGTTGGGGATGAATGGATGTGGACCTGTGTACCTTG-3'
Protein context (NP_006173.2, residues 796-816): QVIENTGEFF[Arg806Gln]DQGRQTYLPQ